The following is an entry in ClinVar:

NM_173660.5(DOK7):c.638G>C (p.Arg213Pro)

Gene: DOK7 (docking protein 7; plus strand). Cytogenetic location: 4p16.3.
Variant type: single nucleotide variant.
Coding change: c.638G>C on transcript NM_173660.5 (MANE Select); coding-DNA position 638, G replaced by C.
Protein change: p.Arg213Pro; replaces arginine 213 with proline.
Molecular consequence: missense variant. On other transcripts: synonymous variant (1), 5 prime UTR variant (1).
Genome position (GRCh38, 1-based): chr4:3,485,644, G>C. VCF-style: chr4-3485644-G-C. GRCh37 (hg19) VCF-style: chr4-3487371-G-C.
Other names: c.627G>C, p.Ala209= (NM_001164673.2); c.-293G>C (NM_001256896.2); c.638G>C, p.Arg213Pro (NM_001301071.2); c.206G>C, p.Arg69Pro (NM_001363811.2); short protein forms R69P, R213P.
Identifiers: ClinVar variation 939543 (VCV000939543.11), dbSNP rs371408752, ClinGen allele CA356115121.

ClinVar aggregate classification (germline): Uncertain significance. Review status: criteria provided, multiple submitters, no conflicts (2 of 4 stars). 2 submissions from 2 submitters: Uncertain significance (2). Last evaluated 2024-06-26.

Conditions:
Congenital myasthenic syndrome 10. Also called: Myasthenia, limb-girdle, familial. Identifiers: Orphanet 590, MedGen C1850792, MONDO:0009690, OMIM 254300.
Fetal akinesia deformation sequence 1 (FADS1). Also called: Fetal akinesia sequence; Pena-Shokeir syndrome type I. Identifiers: Orphanet 994, MedGen C1276035, MONDO:0100101, OMIM 208150, HP:0001989.

gnomAD v4.1: 2 of 1,600,570 alleles (0.00012%); highest among the groups gnomAD compares: Non-Finnish European, 0.00017%; no homozygotes.

Submissions (2):

Blueprint Genetics
Classification: Uncertain significance. Last evaluated: 2024-06-26. Review status: criteria provided, single submitter. Criteria: ACMG Guidelines, 2015. Collection method: clinical testing. Allele origin: germline.

Labcorp Genetics (formerly Invitae), Labcorp
Classification: Uncertain significance for Congenital myasthenic syndrome 10; Fetal akinesia deformation sequence 1. Last evaluated: 2019-09-28. Review status: criteria provided, single submitter. Criteria: Invitae Variant Classification Sherloc (09022015). Collection method: clinical testing. Allele origin: germline.
Comment: In summary, the available evidence is currently insufficient to determine the role of this variant in disease. Therefore, it has been classified as a Variant of Uncertain Significance. Algorithms developed to predict the effect of missense changes on protein structure and function are either unavailable or do not agree on the potential impact of this missense change (SIFT: "Deleterious"; PolyPhen-2: "Possibly Damaging"; Align-GVGD: "Class C0"). This variant has not been reported in the literature in individuals with DOK7-related conditions. This variant is not present in population databases (ExAC no frequency). This sequence change replaces arginine with proline at codon 213 of the DOK7 protein (p.Arg213Pro). The arginine residue is highly conserved and there is a moderate physicochemical difference between arginine and proline.